The following is an entry in ClinVar:

NM_000051.4(ATM):c.8431_8432del (p.Lys2811fs)

Genes: ATM (ATM serine/threonine kinase; plus strand), C11orf65 (chromosome 11 open reading frame 65; minus strand). Cytogenetic location: 11q22.3.
Variant type: Deletion.
Coding change: c.8431_8432del on transcript NM_000051.4 (MANE Select); coding-DNA positions 8431 to 8432, 2 bases deleted (AA; older notation c.8431_8432delAA).
Protein change: p.Lys2811fs; shifts the reading frame from lysine 2811.
Molecular consequence: frameshift variant. On other transcripts: intron variant (2).
Genome position (GRCh38, 1-based): chr11:108,345,755-108,345,756, AA deleted; deleting any 2 consecutive bases within chr11:108,345,750-108,345,756 gives the same sequence; the c. name uses the placement nearest the transcript's 3' end. VCF-style (leftmost placement, unchanged base first): chr11-108345749-CAA-C. GRCh37 (hg19) VCF-style: chr11-108216476-CAA-C.
Other names: c.8431_8432del, p.Lys2811fs (NM_001351834.2); c.641-36680_641-36679del (NM_001330368.2); c.695-10459_695-10458del (NM_001351110.2); short protein forms K2811fs.
Identifiers: ClinVar variation 822417 (VCV000822417.51), dbSNP rs587782558, ClinGen allele CA915948326.

ClinVar aggregate classification (germline): Pathogenic. Review status: criteria provided, multiple submitters, no conflicts (2 of 4 stars). 3 submissions from 3 submitters: Pathogenic (3). Last evaluated 2025-12-12.

Conditions:
Hereditary cancer-predisposing syndrome. Also called: Tumor predisposition; Neoplastic Syndromes, Hereditary; Hereditary Cancer Syndrome; Hereditary neoplastic syndrome. Identifiers: Orphanet 140162, MedGen C0027672, MeSH D009386, MONDO:0015356.
Ataxia-telangiectasia syndrome (AT). Also called: ATAXIA-TELANGIECTASIA, COMPLEMENTATION GROUP A; ATAXIA-TELANGIECTASIA, FRESNO VARIANT; Ataxia-telangiectasia; Ataxia-telangiectasia, complementation group D; AT, COMPLEMENTATION GROUP C; Ataxia-telangiectasia, complementation group E. Identifiers: Orphanet 100, MedGen C0004135, MONDO:0008840, OMIM 208900.
Familial cancer of breast. Also called: Hereditary breast cancer; BREAST CANCER, FAMILIAL; hereditary breast carcinoma. Identifiers: Orphanet 227535, MedGen C0346153, MONDO:0016419, OMIM 114480. Disease mechanism: loss of function.

Submissions (3):

Ambry Genetics
Classification: Pathogenic for Hereditary cancer-predisposing syndrome. Last evaluated: 2025-12-12. Review status: criteria provided, single submitter. Criteria: Ambry Variant Classification Scheme 2023. Collection method: clinical testing. Allele origin: germline.
Comment: The c.8431_8432delAA pathogenic mutation, located in coding exon 57 of the ATM gene, results from a deletion of two nucleotides at nucleotide positions 8431 to 8432, causing a translational frameshift with a predicted alternate stop codon (p.K2811Vfs*3). This alteration is expected to result in loss of function by premature protein truncation or nonsense-mediated mRNA decay. As such, this alteration is interpreted as a disease-causing mutation.

Labcorp Genetics (formerly Invitae), Labcorp
Classification: Pathogenic for Ataxia-telangiectasia syndrome. Last evaluated: 2025-04-21. Review status: criteria provided, single submitter. Criteria: Invitae Variant Classification Sherloc (09022015). Collection method: clinical testing. Allele origin: germline.
Comment: This sequence change creates a premature translational stop signal (p.Lys2811Valfs*3) in the ATM gene. It is expected to result in an absent or disrupted protein product. Loss-of-function variants in ATM are known to be pathogenic (PMID: 23807571, 25614872). This variant is not present in population databases (gnomAD no frequency). This premature translational stop signal has been observed in individual(s) with colorectal cancer and ovarian cancer (PMID: 31118792, 31815095). ClinVar contains an entry for this variant (Variation ID: 822417). For these reasons, this variant has been classified as Pathogenic.

Myriad Genetics, Inc.
Classification: Pathogenic for Familial cancer of breast. Last evaluated: 2024-02-02. Review status: criteria provided, single submitter. Criteria: Myriad Autosomal Dominant, Autosomal Recessive and X-Linked Classification Criteria (2023). Collection method: clinical testing. Allele origin: unknown.
Comment: This variant is considered pathogenic. This variant creates a frameshift predicted to result in premature protein truncation.

Literature cited by the submitters: PubMed 23807571 (cited by Labcorp Genetics (formerly Invitae), Labcorp); PubMed 25614872 (cited by Labcorp Genetics (formerly Invitae), Labcorp); PubMed 31118792 (cited by Labcorp Genetics (formerly Invitae), Labcorp); PubMed 31815095 (cited by Labcorp Genetics (formerly Invitae), Labcorp).